The following is an entry in ClinVar:

NM_000232.5(SGCB):c.656_657del (p.Lys219fs)

Gene: SGCB (sarcoglycan beta; minus strand). Cytogenetic location: 4q12.
Variant type: Deletion.
Coding change: c.656_657del on transcript NM_000232.5 (MANE Select); coding-DNA positions 656 to 657, 2 bases deleted (AA; older notation c.656_657delAA).
Protein change: p.Lys219fs; shifts the reading frame from lysine 219.
Molecular consequence: frameshift variant.
Genome position (GRCh38, 1-based): chr4:52,028,064-52,028,065, TT deleted on the plus strand (AA on the coding strand, the reverse complement: SGCB is on the minus strand); deleting any 2 consecutive bases within chr4:52,028,064-52,028,067 gives the same sequence; the c. name uses the placement nearest the transcript's 3' end. VCF-style (leftmost placement, unchanged base first): chr4-52028063-CTT-C. GRCh37 (hg19) VCF-style: chr4-52894229-CTT-C.
Other names: c.656_657delAA (NM_000232.4); short protein forms K219fs.
Identifiers: ClinVar variation 466603 (VCV000466603.21), dbSNP rs775458201, ClinGen allele CA551340682.
Genomic context (GRCh38, chr4:52,028,063, plus strand): 5'-CAATGGTTTTGCCCATAATGAATACACCTTCATTTCCACGCACAATAGCACGCCCATCAA[CTT>C]TTATATTTAAATCACTGGTAGCATTGCTGGTAATCTGAAAATTTAAAAAACAAGTACTAA-3'

ClinVar aggregate classification (germline): Pathogenic/Likely pathogenic. Review status: criteria provided, multiple submitters, no conflicts (2 of 4 stars). 6 submissions from 6 submitters: Pathogenic (2); Likely pathogenic (3). 1 of the submissions does not count toward it. Last evaluated 2025-12-15.

Conditions:
SGCB-related disorder. Also called: SGCB-related condition.
Autosomal recessive limb-girdle muscular dystrophy type 2E (LGMDR4). Also called: MUSCULAR DYSTROPHY, LIMB-GIRDLE, AUTOSOMAL RECESSIVE 4. Identifiers: Orphanet 119, MedGen C1858593, MONDO:0011423, OMIM 604286. Disease mechanism: Affects gamma-sarcoglycan and also disrupts the integrity of the entire sarcoglycan complex..

Submissions (6):

Labcorp Genetics (formerly Invitae), Labcorp
Classification: Pathogenic for Autosomal recessive limb-girdle muscular dystrophy type 2E. Last evaluated: 2025-12-15. Review status: criteria provided, single submitter. Criteria: Invitae Variant Classification Sherloc (09022015). Collection method: clinical testing. Allele origin: germline.
Comment: This sequence change creates a premature translational stop signal (p.Lys219Serfs*2) in the SGCB gene. It is expected to result in an absent or disrupted protein product. Loss-of-function variants in SGCB are known to be pathogenic (PMID: 15938573, 18285821). This variant is present in population databases (no rsID available, gnomAD 0.05%). This variant has not been reported in the literature in individuals affected with SGCB-related conditions. ClinVar contains an entry for this variant (Variation ID: 466603). Algorithms developed to predict the effect of sequence changes on RNA splicing suggest that this variant may disrupt the consensus splice site. For these reasons, this variant has been classified as Pathogenic.

Natera, Inc.
Classification: Likely pathogenic for Limb-girdle muscular dystrophy type 2E. Last evaluated: 2024-10-22. Review status: criteria provided, single submitter. Criteria: Natera Variant Classification Schema (03/2026). Collection method: clinical testing. Allele origin: germline.
Comment: The c.656_657delAA variant in SGCB is a frameshift variant predicted to shift the reading frame beginning at codon 219 and leads to a stop codon 2 codons downstream. This variant is expected to result in nonsense mediated decay, truncation, or a dysfunctional protein product. This variant is rare in the general population with a frequency below the threshold expected for the associated phenotype(s). Given the available evidence, this variant is classified as Likely Pathogenic.

Fulgent Genetics
Classification: Likely pathogenic for Autosomal recessive limb-girdle muscular dystrophy type 2E. Last evaluated: 2024-06-05. Review status: criteria provided, single submitter. Criteria: ACMG Guidelines, 2015. Collection method: clinical testing. Allele origin: germline.

Revvity Omics, Revvity
Classification: Pathogenic for Autosomal recessive limb-girdle muscular dystrophy type 2E. Last evaluated: 2024-03-28. Review status: criteria provided, single submitter. Criteria: ACMG Guidelines, 2015. Collection method: clinical testing. Allele origin: germline.

Blueprint Genetics
Classification: Likely pathogenic for SGCB-related disorders. Last evaluated: 2020-08-24. Review status: criteria provided, single submitter. Criteria: ACMG Guidelines, 2015. Collection method: clinical testing. Allele origin: germline. Affected: yes. Observed: 2 variant alleles.

Counsyl
Classification: Likely pathogenic for Autosomal recessive limb-girdle muscular dystrophy type 2E. Last evaluated: 2017-04-06. Review status: no assertion criteria provided. Collection method: clinical testing. Allele origin: unknown. Not counted in ClinVar's aggregate classification.

Literature cited by the submitters: PubMed 15938573 (cited by Labcorp Genetics (formerly Invitae), Labcorp); PubMed 18285821 (cited by Labcorp Genetics (formerly Invitae), Labcorp).